The following is an entry in ClinVar:

ClinVar aggregate classification (germline): Uncertain significance. Review status: criteria provided, multiple submitters, no conflicts (2 of 4 stars). 3 submissions from 3 submitters: Uncertain significance (3). Last evaluated 2026-04-01.

Conditions:
Inborn genetic diseases. Identifiers: MedGen C0950123, MeSH D030342.
Charcot-Marie-Tooth disease type 2B (CMT2B). Also called: Charcot-Marie-Tooth Neuropathy Type 2B; CHARCOT-MARIE-TOOTH DISEASE, AXONAL, TYPE 2B; HEREDITARY MOTOR AND SENSORY NEUROPATHY IIB; CHARCOT-MARIE-TOOTH DISEASE, AUTOSOMAL DOMINANT, TYPE 2B. Identifiers: Orphanet 99936, MedGen C1833219, MONDO:0010949, OMIM 600882.

Allele frequency attached by ClinVar (database versions not stated): TOPMed 0.00002.
gnomAD v4.1: 15 of 1,614,048 alleles (0.00093%); highest among the groups gnomAD compares: East Asian, 0.0022%; no homozygotes.

Submissions (3):

CeGaT Center for Human Genetics Tuebingen
Classification: Uncertain significance. Last evaluated: 2026-04-01. Review status: criteria provided, single submitter. Criteria: CeGaT Center For Human Genetics Tuebingen Variant Classification Criteria Version 2. Collection method: clinical testing. Allele origin: germline. Affected: yes. Observed: 1 variant allele.

Labcorp Genetics (formerly Invitae), Labcorp
Classification: Uncertain significance for Charcot-Marie-Tooth disease type 2B. Last evaluated: 2025-10-21. Review status: criteria provided, single submitter. Criteria: Invitae Variant Classification Sherloc (09022015). Collection method: clinical testing. Allele origin: germline.
Comment: This sequence change replaces arginine, which is basic and polar, with tryptophan, which is neutral and slightly polar, at codon 197 of the RAB7A protein (p.Arg197Trp). This variant is present in population databases (rs745507763, gnomAD 0.005%). This variant has not been reported in the literature in individuals affected with RAB7A-related conditions. ClinVar contains an entry for this variant (Variation ID: 939028). An algorithm developed to predict the effect of missense changes on protein structure and function (PolyPhen-2) suggests that this variant is likely to be disruptive. In summary, the available evidence is currently insufficient to determine the role of this variant in disease. Therefore, it has been classified as a Variant of Uncertain Significance.

Ambry Genetics
Classification: Uncertain significance for Inborn genetic diseases. Last evaluated: 2021-07-30. Review status: criteria provided, single submitter. Criteria: Ambry Variant Classification Scheme 2023. Collection method: clinical testing. Allele origin: germline.
Comment: The p.R197W variant (also known as c.589C>T), located in coding exon 5 of the RAB7A gene, results from a C to T substitution at nucleotide position 589. The arginine at codon 197 is replaced by tryptophan, an amino acid with dissimilar properties. This amino acid position is conserved. In addition, the in silico prediction for this alteration is inconclusive. Since supporting evidence is limited at this time, the clinical significance of this alteration remains unclear.

NM_004637.6(RAB7A):c.589C>T (p.Arg197Trp)

Genes: RAB7A (RAB7A, member RAS oncogene family; plus strand), LOC112872299 (Sharpr-MPRA regulatory region 6458; plus strand). Cytogenetic location: 3q21.3.
Variant type: single nucleotide variant.
Coding change: c.589C>T on transcript NM_004637.6 (MANE Select); coding-DNA position 589, C replaced by T.
Protein change: p.Arg197Trp; replaces arginine 197 with tryptophan.
Molecular consequence: missense variant.
Genome position (GRCh38, 1-based): chr3:128,813,387, C>T. VCF-style: chr3-128813387-C-T. GRCh37 (hg19) VCF-style: chr3-128532230-C-T.
Other names: short protein forms R197W.
Identifiers: ClinVar variation 939028 (VCV000939028.13), dbSNP rs745507763, ClinGen allele CA2600886.
Genomic context (GRCh38, chr3:128,813,387, plus strand): 5'-GAAACGGAGGTGGAGCTGTACAACGAATTTCCTGAACCTATCAAACTGGACAAGAATGAC[C>T]GGGCCAAGGCCTCGGCAGAAAGCTGCAGTTGCTGAGGGGGCAGTGAGAGTTGAGCACAGA-3'
Protein context (NP_004628.4, residues 187-207): PEPIKLDKND[Arg197Trp]AKASAESCSC